The following is an entry in ClinVar:

ClinVar aggregate classification (germline): Pathogenic (1 of 4 stars; one submission).

Conditions:
LAMA2-related muscular dystrophy (LAMA2-RD). Also called: Laminin alpha 2-related dystrophy. Identifiers: MedGen C5679788, MONDO:0100228.

Submission:

Myriad Genetics, Inc.
Classification: Pathogenic for LAMA2-related muscular dystrophy. Last evaluated: 2023-09-27. Review status: criteria provided, single submitter. Criteria: Myriad Autosomal Dominant, Autosomal Recessive and X-Linked Classification Criteria (2023). Collection method: clinical testing. Allele origin: unknown.
Comment: NM_000426.3(LAMA2):c.2348dupC(Y784Ifs*3) is expected to be pathogenic in the context of muscular dystrophy, LAMA2-related. This variant is predicted to lead to an abnormal or absent protein product due to the creation of a premature termination codon in LAMA2, a gene where loss-of-function variants are known to be pathogenic. Please note: this variant was assessed in the context of healthy population screening.

NM_000426.4(LAMA2):c.2348dup (p.Tyr784fs)

Gene: LAMA2 (laminin subunit alpha 2; plus strand). Cytogenetic location: 6q22.33.
Variant type: Duplication.
Coding change: c.2348dup on transcript NM_000426.4 (MANE Select); coding-DNA position 2348, one base duplicated (C; older notation c.2348dupC).
Protein change: p.Tyr784fs; shifts the reading frame from tyrosine 784.
Molecular consequence: frameshift variant.
Genome position (GRCh38, 1-based): chr6:129,270,649, C duplicated; the last of 3 consecutive C bases (chr6:129,270,647-129,270,649); duplicating any one gives the same sequence. VCF-style (leftmost placement, unchanged base first): chr6-129270646-G-GC. GRCh37 (hg19) VCF-style: chr6-129591791-G-GC.
Other names: c.2348dup, p.Tyr784fs (NM_001079823.2); short protein forms Y784fs.
Identifiers: ClinVar variation 5012101 (VCV005012101.1).